The following is an entry in ClinVar:

ClinVar aggregate classification (germline): Uncertain significance (1 of 4 stars; one submission).

Conditions:
Fanconi anemia (FA). Also called: Fanconi's anemia. Identifiers: Orphanet 84, MedGen C0015625, MeSH D005199, MONDO:0019391.

gnomAD v4.1: 1 of 1,614,210 alleles (0.000062%); highest among the groups gnomAD compares: Non-Finnish European, 0.000085%; no homozygotes.

Submission:

Labcorp Genetics (formerly Invitae), Labcorp
Classification: Uncertain significance for Fanconi anemia. Last evaluated: 2022-08-31. Review status: criteria provided, single submitter. Criteria: Invitae Variant Classification Sherloc (09022015). Collection method: clinical testing. Allele origin: germline.
Comment: In summary, the available evidence is currently insufficient to determine the role of this variant in disease. Therefore, it has been classified as a Variant of Uncertain Significance. Algorithms developed to predict the effect of missense changes on protein structure and function output the following: SIFT: "Deleterious"; PolyPhen-2: "Benign"; Align-GVGD: "Class C0". The proline amino acid residue is found in multiple mammalian species, which suggests that this missense change does not adversely affect protein function. ClinVar contains an entry for this variant (Variation ID: 1438872). This variant has not been reported in the literature in individuals affected with SLX4-related conditions. This variant is not present in population databases (gnomAD no frequency). This sequence change replaces glutamine, which is neutral and polar, with proline, which is neutral and non-polar, at codon 166 of the SLX4 protein (p.Gln166Pro).

NM_032444.4(SLX4):c.497A>C (p.Gln166Pro)

Gene: SLX4 (SLX4 structure-specific endonuclease subunit; minus strand). Cytogenetic location: 16p13.3.
Variant type: single nucleotide variant.
Coding change: c.497A>C on transcript NM_032444.4 (MANE Select); coding-DNA position 497, A replaced by C.
Protein change: p.Gln166Pro; replaces glutamine 166 with proline.
Molecular consequence: missense variant.
Genome position (GRCh38, 1-based): chr16:3,608,468, T>G on the plus strand (A>C on the coding strand, the complement: SLX4 is on the minus strand). VCF-style: chr16-3608468-T-G. GRCh37 (hg19) VCF-style: chr16-3658469-T-G.
Other names: short protein forms Q166P.
Identifiers: ClinVar variation 1438872 (VCV001438872.6), dbSNP rs2151139059, ClinGen allele CA394547115.